The following is an entry in ClinVar:

ClinVar aggregate classification (germline): Uncertain significance (1 of 4 stars; one submission).

Allele frequency attached by ClinVar (database versions not stated): gnomAD exomes below 0.00001.
gnomAD v4.1: 1 of 1,383,096 alleles (0.000072%); highest among the groups gnomAD compares: East Asian, 0.003%; no homozygotes.

Submission:

GeneDx
Classification: Uncertain significance. Last evaluated: 2023-03-22. Review status: criteria provided, single submitter. Criteria: GeneDx Variant Classification Process June 2021. Collection method: clinical testing. Allele origin: germline. Affected: yes.
Comment: Not observed at significant frequency in large population cohorts (gnomAD); In silico analysis supports that this missense variant does not alter protein structure/function; Has not been previously published as pathogenic or benign to our knowledge

NM_006015.6(ARID1A):c.815G>A (p.Gly272Glu)

Genes: ARID1A (AT-rich interaction domain 1A; plus strand), LOC129929837 (ATAC-STARR-seq lymphoblastoid silent region 489; plus strand). Cytogenetic location: 1p36.11.
Variant type: single nucleotide variant.
Coding change: c.815G>A on transcript NM_006015.6 (MANE Select); coding-DNA position 815, G replaced by A.
Protein change: p.Gly272Glu; replaces glycine 272 with glutamic acid.
Molecular consequence: missense variant.
Genome position (GRCh38, 1-based): chr1:26,697,218, G>A. VCF-style: chr1-26697218-G-A. GRCh37 (hg19) VCF-style: chr1-27023709-G-A.
Other names: c.815G>A, p.Gly272Glu (NM_139135.4); short protein forms G272E.
Identifiers: ClinVar variation 2580422 (VCV002580422.1), dbSNP rs2124743716, ClinGen allele CA339266503.